The following is an entry in ClinVar:

NM_000264.5(PTCH1):c.4224_4245del (p.Phe1409fs)

Gene: PTCH1 (patched 1; minus strand). Cytogenetic location: 9q22.32.
Variant type: Deletion.
Coding change: c.4224_4245del on transcript NM_000264.5 (MANE Select); coding-DNA positions 4224 to 4245, 22 bases deleted (GTTTGAGGACCCCCACGTGCCT).
Protein change: p.Phe1409fs; shifts the reading frame from phenylalanine 1409.
Molecular consequence: frameshift variant. On other transcripts: non-coding transcript variant (1).
Genome position (GRCh38, 1-based): chr9:95,447,011-95,447,032, AGGCACGTGGGGGTCCTCAAAC deleted on the plus strand (GTTTGAGGACCCCCACGTGCCT on the coding strand, the reverse complement: PTCH1 is on the minus strand); deleting any 22 consecutive bases within chr9:95,447,011-95,447,036 gives the same sequence; the c. name uses the placement nearest the transcript's 3' end. VCF-style (leftmost placement, unchanged base first): chr9-95447010-AAGGCACGTGGGGGTCCTCAAAC-A. GRCh37 (hg19) VCF-style: chr9-98209292-AAGGCACGTGGGGGTCCTCAAAC-A.
Other names: c.4026_4047del, p.Phe1343fs (NM_001083602.3); c.4221_4242del, p.Phe1408fs (NM_001083603.3); c.3771_3792del, p.Phe1258fs (NM_001083604.3, NM_001083605.3, NM_001083606.3 and 1 more transcripts); c.4068_4089del, p.Phe1357fs (NM_001354918.2); short protein forms F1357fs, F1258fs, F1408fs, F1343fs, F1409fs.
Identifiers: ClinVar variation 3728249 (VCV003728249.2).

ClinVar aggregate classification (germline): Uncertain significance (1 of 4 stars; one submission).

Conditions:
Gorlin syndrome. Also called: Nevoid Basal Cell Carcinoma Syndrome; Basal cell nevus syndrome. Identifiers: Orphanet 377, MedGen C0004779, MONDO:0007187.

Submission:

Labcorp Genetics (formerly Invitae), Labcorp
Classification: Uncertain significance for Gorlin syndrome. Last evaluated: 2024-12-30. Review status: criteria provided, single submitter. Criteria: Invitae Variant Classification Sherloc (09022015). Collection method: clinical testing. Allele origin: germline.
Comment: This sequence change creates a premature translational stop signal (p.Phe1409Serfs*36) in the PTCH1 gene. While this is not anticipated to result in nonsense mediated decay, it is expected to disrupt the last 39 amino acid(s) of the PTCH1 protein. This variant is not present in population databases (gnomAD no frequency). This variant has not been reported in the literature in individuals affected with PTCH1-related conditions. Experimental studies and prediction algorithms are not available or were not evaluated, and the functional significance of this variant is currently unknown. In summary, the available evidence is currently insufficient to determine the role of this variant in disease. Therefore, it has been classified as a Variant of Uncertain Significance.